The following is an entry in ClinVar:

NM_001330700.2(TOP2B):c.3569C>T (p.Ala1190Val)

Gene: TOP2B (DNA topoisomerase II beta; minus strand). Cytogenetic location: 3p24.2.
Variant type: single nucleotide variant.
Coding change: c.3569C>T on transcript NM_001330700.2 (MANE Select); coding-DNA position 3569, C replaced by T.
Protein change: p.Ala1190Val; replaces alanine 1190 with valine.
Molecular consequence: missense variant.
Genome position (GRCh38, 1-based): chr3:25,615,227, G>A on the plus strand (C>T on the coding strand, the complement: TOP2B is on the minus strand). VCF-style: chr3-25615227-G-A. GRCh37 (hg19) VCF-style: chr3-25656718-G-A.
Other names: c.3554C>T, p.Ala1185Val (NM_001068.3); short protein forms A1185V, A1190V.
Identifiers: ClinVar variation 1505701 (VCV001505701.6), dbSNP rs373228314, ClinGen allele CA2288285.

ClinVar aggregate classification (germline): Uncertain significance (1 of 4 stars; one submission).

Allele frequency attached by ClinVar (database versions not stated): TOPMed 0.00001; gnomAD exomes 0.00002 and 0.00004; gnomAD 0.00003; ExAC 0.00006; ESP Exome Variant Server 0.00009.
gnomAD v4.1: 29 of 1,611,772 alleles (0.0018%); highest among the groups gnomAD compares: South Asian, 0.011%; no homozygotes.

Submission:

Labcorp Genetics (formerly Invitae), Labcorp
Classification: Uncertain significance. Last evaluated: 2024-12-30. Review status: criteria provided, single submitter. Criteria: Invitae Variant Classification Sherloc (09022015). Collection method: clinical testing. Allele origin: germline.
Comment: This sequence change replaces alanine, which is neutral and non-polar, with valine, which is neutral and non-polar, at codon 1185 of the TOP2B protein (p.Ala1185Val). This variant is present in population databases (rs373228314, gnomAD 0.02%). This variant has not been reported in the literature in individuals affected with TOP2B-related conditions. ClinVar contains an entry for this variant (Variation ID: 1505701). An algorithm developed to predict the effect of missense changes on protein structure and function (PolyPhen-2) suggests that this variant is likely to be tolerated. In summary, the available evidence is currently insufficient to determine the role of this variant in disease. Therefore, it has been classified as a Variant of Uncertain Significance.